The following is an entry in ClinVar:

NM_016464.5(TMEM138):c.387G>A (p.Leu129=)

Gene: TMEM138 (transmembrane protein 138; plus strand). Cytogenetic location: 11q12.2.
Variant type: single nucleotide variant.
Coding change: c.387G>A on transcript NM_016464.5 (MANE Select); coding-DNA position 387, G replaced by A.
Protein change: p.Leu129=; no amino-acid change (leucine 129 retained).
Molecular consequence: synonymous variant. On other transcripts: non-coding transcript variant (1).
Genome position (GRCh38, 1-based): chr11:61,368,607, G>A. VCF-style: chr11-61368607-G-A. GRCh37 (hg19) VCF-style: chr11-61136079-G-A.
Other names: c.213G>A, p.Leu71= (NM_001330281.2).
Identifiers: ClinVar variation 305065 (VCV000305065.37), dbSNP rs553815473, ClinGen allele CA6034646.
Genomic context (GRCh38, chr11:61,368,607, plus strand): 5'-ATGATACTCAGGAGCACCCCTGAGGCTTCTCTTCTGCTTCCTCCCCACAGCAGCAGTGTT[G>A]TACTGCTACTTCTATAAACGGACAGCCGTAAGACTAGGCGATCCTCACTTCTACCAGGAC-3'
Protein context (NP_057548.1, residues 119-139): LFVFQRLAAV[Leu129=]YCYFYKRTAV

ClinVar aggregate classification (germline): Benign/Likely benign. Review status: criteria provided, multiple submitters, no conflicts (2 of 4 stars). 7 submissions from 7 submitters: Benign (2); Likely benign (3). 2 of the submissions do not count toward it. Last evaluated 2026-01-28.

Conditions:
Joubert syndrome 16 (JBTS16). Identifiers: Orphanet 2318, MedGen C3280906, MONDO:0013764, OMIM 614465.

Allele frequency attached by ClinVar (database versions not stated): gnomAD 0.00004 and 0.00038; TOPMed 0.00013; gnomAD exomes 0.00069 and 0.00141; ExAC 0.00178; 1000 Genomes Project 0.00280; 1000 Genomes Project 30x 0.00312.
gnomAD v4.1: 1,060 of 1,608,440 alleles (0.066%); highest among the groups gnomAD compares: South Asian, 1%; 11 homozygotes.

Submissions (7):

Labcorp Genetics (formerly Invitae), Labcorp
Classification: Benign for Joubert syndrome 16. Last evaluated: 2026-01-28. Review status: criteria provided, single submitter. Criteria: Invitae Variant Classification Sherloc (09022015). Collection method: clinical testing. Allele origin: germline.

CeGaT Center for Human Genetics Tuebingen
Classification: Likely benign. Last evaluated: 2025-06-01. Review status: criteria provided, single submitter. Criteria: CeGaT Center For Human Genetics Tuebingen Variant Classification Criteria Version 2. Collection method: clinical testing. Allele origin: germline. Affected: yes. Observed: 2 variant alleles.
Comment: TMEM138: BP4, BP7, BS1

Blueprint Genetics
Classification: Likely benign. Last evaluated: 2024-08-19. Review status: criteria provided, single submitter. Criteria: ACMG Guidelines, 2015. Collection method: clinical testing. Allele origin: germline.

GeneDx
Classification: Benign. Last evaluated: 2019-12-26. Review status: criteria provided, single submitter. Criteria: GeneDx Variant Classification Process June 2021. Collection method: clinical testing. Allele origin: germline. Affected: yes.

Illumina Laboratory Services, Illumina
Classification: Likely benign for Joubert syndrome 16. Last evaluated: 2018-01-13. Review status: criteria provided, single submitter. Criteria: ICSL Variant Classification Criteria 13 December 2019. Collection method: clinical testing. Allele origin: germline.
Comment: This variant was observed in the ICSL laboratory as part of a predisposition screen in an ostensibly healthy population. It had not been previously curated by ICSL or reported in the Human Gene Mutation Database (HGMD: prior to June 1st, 2018), and was therefore a candidate for classification through an automated scoring system. Utilizing variant allele frequency, disease prevalence and penetrance estimates, and inheritance mode, an automated score was calculated to assess if this variant is too frequent to cause the disease. Based on the score and internal cut-off values, a variant classified as likely benign is not then subjected to further curation. The score for this variant resulted in a classification of likely benign for this disease.

Clinical Genetics DNA and cytogenetics Diagnostics Lab, Erasmus MC, Erasmus Medical Center
Classification: Likely benign. Review status: no assertion criteria provided. Collection method: clinical testing. Allele origin: germline. Affected: yes. Study: VKGL Data-share Consensus. Not counted in ClinVar's aggregate classification.

Genome Diagnostics Laboratory, University Medical Center Utrecht
Classification: Likely benign. Review status: no assertion criteria provided. Collection method: clinical testing. Allele origin: germline. Affected: yes. Study: VKGL Data-share Consensus. Not counted in ClinVar's aggregate classification.